The following is an entry in ClinVar:

ClinVar aggregate classification (germline): Likely benign. Review status: reviewed by expert panel (3 of 4 stars). 8 submissions from 8 submitters: Likely benign (1). 7 of the submissions do not count toward it. Last evaluated 2017-06-29.

Conditions:
Hereditary cancer-predisposing syndrome. Also called: Tumor predisposition; Neoplastic Syndromes, Hereditary; Hereditary Cancer Syndrome; Hereditary neoplastic syndrome. Identifiers: Orphanet 140162, MedGen C0027672, MeSH D009386, MONDO:0015356.
Hereditary breast ovarian cancer syndrome. Also called: Hereditary breast and ovarian cancer; Hereditary breast and ovarian cancer syndrome (HBOC); Breast and ovarian cancer; Hereditary breast and/or ovarian cancer syndrome; BRCA1- and BRCA2-Associated Hereditary Breast and Ovarian Cancer; Hereditary breast and ovarian cancer syndrome. Identifiers: Orphanet 145, MedGen C0677776, MeSH D061325, MONDO:0003582. Disease mechanism: loss of function.
Breast-ovarian cancer, familial, susceptibility to, 2 (BROVCA2). Also called: BRCA2 Hereditary Breast and Ovarian Cancer. Identifiers: Orphanet 145, MedGen C2675520, MONDO:0012933, OMIM 612555. Disease mechanism: loss of function.

Allele frequency attached by ClinVar (database versions not stated): gnomAD exomes below 0.00001 and 0.00001.

Submissions (8):

Evidence-based Network for the Interpretation of Germline Mutant Alleles (ENIGMA)
Classification: Likely benign for Breast-ovarian cancer, familial, susceptibility to, 2. Last evaluated: 2017-06-29. Review status: reviewed by expert panel. Criteria: ENIGMA BRCA1/2 Classification Criteria (2017-06-29). Collection method: curation. Allele origin: germline.
Comment: Synonymous substitution variant, with low bioinformatic likelihood to result in a splicing aberration (Splicing prior probability 0.02).

Labcorp Genetics (formerly Invitae), Labcorp
Classification: Likely benign for Hereditary breast ovarian cancer syndrome. Last evaluated: 2025-12-09. Review status: criteria provided, single submitter. Criteria: Invitae Variant Classification Sherloc (09022015). Collection method: clinical testing. Allele origin: germline. Not counted in ClinVar's aggregate classification.

Quest Diagnostics Nichols Institute San Juan Capistrano
Classification: Likely benign. Last evaluated: 2023-03-13. Review status: criteria provided, single submitter. Criteria: Quest Diagnostics criteria. Collection method: clinical testing. Allele origin: unknown. Not counted in ClinVar's aggregate classification.

CeGaT Center for Human Genetics Tuebingen
Classification: Likely benign. Last evaluated: 2021-02-01. Review status: criteria provided, single submitter. Criteria: CeGaT Center For Human Genetics Tuebingen Variant Classification Criteria Version 2. Collection method: clinical testing. Allele origin: germline. Affected: yes. Observed: 1 variant allele. Not counted in ClinVar's aggregate classification.

Women's Health and Genetics/Laboratory Corporation of America, LabCorp
Classification: Likely benign. Last evaluated: 2020-04-13. Review status: criteria provided, single submitter. Criteria: LabCorp Variant Classification Summary - May 2015. Collection method: clinical testing. Allele origin: germline. Not counted in ClinVar's aggregate classification.

GeneDx
Classification: Likely benign. Last evaluated: 2019-12-20. Review status: criteria provided, single submitter. Criteria: GeneDx Variant Classification Process June 2021. Collection method: clinical testing. Allele origin: germline. Affected: yes. Not counted in ClinVar's aggregate classification.

Color Diagnostics, LLC DBA Color Health
Classification: Likely benign for Hereditary cancer-predisposing syndrome. Last evaluated: 2016-12-19. Review status: criteria provided, single submitter. Criteria: ACMG Guidelines, 2015. Collection method: clinical testing. Allele origin: germline. Not counted in ClinVar's aggregate classification.

Ambry Genetics
Classification: Likely benign for Hereditary cancer-predisposing syndrome. Last evaluated: 2014-09-09. Review status: criteria provided, single submitter. Criteria: Ambry Variant Classification Scheme 2023. Collection method: clinical testing. Allele origin: germline. Not counted in ClinVar's aggregate classification.

NM_000059.4(BRCA2):c.7638T>C (p.Ser2546=)

Gene: BRCA2 (BRCA2 DNA repair associated; plus strand). Cytogenetic location: 13q13.1.
Variant type: single nucleotide variant.
Coding change: c.7638T>C on transcript NM_000059.4 (MANE Select); coding-DNA position 7638, T replaced by C.
Protein change: p.Ser2546=; no amino-acid change (serine 2546 retained).
Molecular consequence: synonymous variant.
Genome position (GRCh38, 1-based): chr13:32,357,762, T>C. VCF-style: chr13-32357762-T-C. GRCh37 (hg19) VCF-style: chr13-32931899-T-C.
Identifiers: ClinVar variation 185654 (VCV000185654.57), dbSNP rs786202346, ClinGen allele CA025206.